The following is an entry in ClinVar:

ClinVar aggregate classification (germline): Likely benign. Review status: criteria provided, multiple submitters, no conflicts (2 of 4 stars). 2 submissions from 2 submitters: Likely benign (2). Last evaluated 2025-09-11.

Conditions:
Cardiovascular phenotype. Identifiers: MedGen CN230736.

Allele frequency attached by ClinVar (database versions not stated): TOPMed 0.00001; ExAC 0.00002; gnomAD exomes 0.00004; 1000 Genomes Project 30x 0.00016; gnomAD 0.00001; 1000 Genomes Project 0.00020.
gnomAD v4.1: 55 of 1,613,758 alleles (0.0034%); highest among the groups gnomAD compares: Non-Finnish European, 0.0041%; no homozygotes.

Submissions (2):

Mayo Clinic Laboratories, Mayo Clinic
Classification: Likely benign. Last evaluated: 2025-09-11. Review status: criteria provided, single submitter. Criteria: ACMG Guidelines, 2015. Collection method: clinical testing. Allele origin: germline. Observed: 1 variant allele.
Comment: BP4, BP7, PM2_supporting

Ambry Genetics
Classification: Likely benign for Cardiovascular phenotype. Last evaluated: 2019-05-19. Review status: criteria provided, single submitter. Criteria: Ambry Variant Classification Scheme 2023. Collection method: clinical testing. Allele origin: germline.

NM_001365276.2(TNXB):c.9246T>C (p.Val3082=)

Gene: TNXB (tenascin XB; minus strand). Cytogenetic location: 6p21.33.
Variant type: single nucleotide variant.
Coding change: c.9246T>C on transcript NM_001365276.2 (MANE Select); coding-DNA position 9246, T replaced by C.
Protein change: p.Val3082=; no amino-acid change (valine 3082 retained).
Molecular consequence: synonymous variant.
Genome position (GRCh38, 1-based): chr6:32,050,191, A>G on the plus strand (T>C on the coding strand, the complement: TNXB is on the minus strand). VCF-style: chr6-32050191-A-G. GRCh37 (hg19) VCF-style: chr6-32017968-A-G.
Other names: p.Val3080=; c.9240T>C, p.Val3080= (NM_019105.8).
Identifiers: ClinVar variation 1766304 (VCV001766304.3), dbSNP rs571351772, ClinGen allele CA3733587.
Genomic context (GRCh38, chr6:32,050,191, plus strand): 5'-CTTGGGCTGCCCATCCCCATTCCTGTACTGGACCAGGAAGTGGTCAAACTGGCCCTCGGG[A>G]ACCATCCAGGACAGGCTGAGGGAGTCGGGGGTGGCATCTGTCACGGTCAGCTCCCCCAGG-3'
Protein context (NP_001352205.1, residues 3072-3092): TPDSLSLSWM[Val3082=]PEGQFDHFLV